The following is an entry in ClinVar:

NM_000548.5(TSC2):c.2683A>T (p.Met895Leu)

Gene: TSC2 (TSC complex subunit 2; plus strand). Cytogenetic location: 16p13.3.
Variant type: single nucleotide variant.
Coding change: c.2683A>T on transcript NM_000548.5 (MANE Select); coding-DNA position 2683, A replaced by T.
Protein change: p.Met895Leu; replaces methionine 895 with leucine.
Molecular consequence: missense variant.
Genome position (GRCh38, 1-based): chr16:2,076,111, A>T. VCF-style: chr16-2076111-A-T. GRCh37 (hg19) VCF-style: chr16-2126112-A-T.
Other names: c.2683A>T, p.Met895Leu (NM_001077183.3, NM_001114382.3, NM_001363528.2 and 3 more transcripts); c.2572A>T, p.Met858Leu (NM_001318827.2); c.2536A>T, p.Met846Leu (NM_001318829.2); c.2083A>T, p.Met695Leu (NM_001318831.2); c.2716A>T, p.Met906Leu (NM_001318832.2); short protein forms M695L, M846L, M895L, M906L, M858L.
Identifiers: ClinVar variation 1418379 (VCV001418379.9), dbSNP rs45470695, ClinGen allele CA394279343.

ClinVar aggregate classification (germline): Uncertain significance. Review status: criteria provided, multiple submitters, no conflicts (2 of 4 stars). 3 submissions from 3 submitters: Uncertain significance (3). Last evaluated 2024-03-21.

Conditions:
Tuberous sclerosis 2 (TSC2). Identifiers: Orphanet 805, MedGen C1860707, MONDO:0013199, OMIM 613254.
Hereditary cancer-predisposing syndrome. Also called: Hereditary neoplastic syndrome; Neoplastic Syndromes, Hereditary; Hereditary Cancer Syndrome; Tumor predisposition. Identifiers: Orphanet 140162, MedGen C0027672, MeSH D009386, MONDO:0015356.
Isolated focal cortical dysplasia type II (FCORD2). Also called: Focal cortical dysplasia type II; CORTICAL DYSPLASIA OF TAYLOR. Identifiers: Orphanet 268994, MedGen C1846385, MONDO:0011818, OMIM 607341, HP:0032051.

Submissions (3):

Baylor Genetics
Classification: Uncertain significance for Isolated focal cortical dysplasia type II. Last evaluated: 2024-03-21. Review status: criteria provided, single submitter. Criteria: ACMG Guidelines, 2015. Collection method: clinical testing. Allele origin: unknown.

Labcorp Genetics (formerly Invitae), Labcorp
Classification: Uncertain significance for Tuberous sclerosis 2. Last evaluated: 2021-12-17. Review status: criteria provided, single submitter. Criteria: Invitae Variant Classification Sherloc (09022015). Collection method: clinical testing. Allele origin: germline.
Comment: In summary, the available evidence is currently insufficient to determine the role of this variant in disease. Therefore, it has been classified as a Variant of Uncertain Significance. This sequence change replaces methionine, which is neutral and non-polar, with leucine, which is neutral and non-polar, at codon 895 of the TSC2 protein (p.Met895Leu). This variant is not present in population databases (gnomAD no frequency). This variant has not been reported in the literature in individuals affected with TSC2-related conditions. Advanced modeling of protein sequence and biophysical properties (such as structural, functional, and spatial information, amino acid conservation, physicochemical variation, residue mobility, and thermodynamic stability) performed at Invitae indicates that this missense variant is not expected to disrupt TSC2 protein function.

Ambry Genetics
Classification: Uncertain significance for Hereditary cancer-predisposing syndrome. Last evaluated: 2020-12-10. Review status: criteria provided, single submitter. Criteria: Ambry Variant Classification Scheme 2023. Collection method: clinical testing. Allele origin: germline.
Comment: The p.M895L variant (also known as c.2683A>T), located in coding exon 23 of the TSC2 gene, results from an A to T substitution at nucleotide position 2683. The methionine at codon 895 is replaced by leucine, an amino acid with highly similar properties. This amino acid position is highly conserved in available vertebrate species. In addition, this alteration is predicted to be deleterious by in silico analysis. Since supporting evidence is limited at this time, the clinical significance of this alteration remains unclear.